The following is an entry in ClinVar:

ClinVar aggregate classification (germline): Uncertain significance (1 of 4 stars; one submission).

Allele frequency attached by ClinVar (database versions not stated): gnomAD exomes 0.00001.
gnomAD v4.1: 9 of 1,613,712 alleles (0.00056%); highest among the groups gnomAD compares: Admixed American, 0.0033%; no homozygotes.

Submission:

GeneDx
Classification: Uncertain significance. Last evaluated: 2022-11-17. Review status: criteria provided, single submitter. Criteria: GeneDx Variant Classification Process June 2021. Collection method: clinical testing. Allele origin: germline. Affected: yes.
Comment: Not observed at significant frequency in large population cohorts (gnomAD); Has not been previously published as pathogenic or benign to our knowledge; In silico analysis suggests this variant may impact gene splicing. In the absence of RNA/functional studies, the actual effect of this sequence change is unknown.

NM_001698.3(AUH):c.369A>G (p.Lys123=)

Gene: AUH (AU RNA binding methylglutaconyl-CoA hydratase; minus strand). Cytogenetic location: 9q22.31.
Variant type: single nucleotide variant.
Coding change: c.369A>G on transcript NM_001698.3 (MANE Select); coding-DNA position 369, A replaced by G.
Protein change: p.Lys123=; no amino-acid change (lysine 123 retained).
Molecular consequence: synonymous variant.
Genome position (GRCh38, 1-based): chr9:91,355,932, T>C on the plus strand (A>G on the coding strand, the complement: AUH is on the minus strand). VCF-style: chr9-91355932-T-C. GRCh37 (hg19) VCF-style: chr9-94118214-T-C.
Other names: c.369A>G, p.Lys123= (NM_001306190.2); c.42A>G, p.Lys14= (NM_001351431.2, NM_001351432.2, NM_001351433.2).
Identifiers: ClinVar variation 1800787 (VCV001800787.1), dbSNP rs1032621485, ClinGen allele CA195930547.